The following is an entry in ClinVar:

ClinVar aggregate classification (germline): Likely benign (1 of 4 stars; one submission).

gnomAD v4.1: 15 of 1,611,800 alleles (0.00093%); highest among the groups gnomAD compares: Non-Finnish European, 0.0013%; no homozygotes.

Submission:

Women's Health and Genetics/Laboratory Corporation of America, LabCorp
Classification: Likely benign. Last evaluated: 2025-07-21. Review status: criteria provided, single submitter. Criteria: LabCorp Variant Classification Summary - May 2015. Collection method: clinical testing. Allele origin: germline.
Comment: Variant summary: VWF c.7987-18A>C alters a non-conserved nucleotide located at a position not widely known to affect splicing. Consensus agreement among computation tools predict no significant impact on normal splicing. However, these predictions have yet to be confirmed by functional studies. The variant was absent in 250462 control chromosomes. The available data on variant occurrences in the general population are insufficient to allow any conclusion about variant significance. To our knowledge, no occurrence of c.7987-18A>C in individuals affected with Von Willebrand Disease and no experimental evidence demonstrating its impact on protein function have been reported. No submitters have cited clinical-significance assessments for this variant to ClinVar. Based on the evidence outlined above, the variant was classified as likely benign.

NM_000552.5(VWF):c.7987-18A>C

Gene: VWF (von Willebrand factor; minus strand). Cytogenetic location: 12p13.31.
Variant type: single nucleotide variant.
Coding change: c.7987-18A>C on transcript NM_000552.5 (MANE Select); 18 bases into the intron before coding-DNA position 7987, A replaced by C.
Molecular consequence: intron variant.
Genome position (GRCh38, 1-based): chr12:5,952,537, T>G on the plus strand (A>C on the coding strand, the complement: VWF is on the minus strand). VCF-style: chr12-5952537-T-G. GRCh37 (hg19) VCF-style: chr12-6061703-T-G.
Identifiers: ClinVar variation 4525728 (VCV004525728.1).